The following is an entry in ClinVar:

ClinVar aggregate classification (germline): Pathogenic (1 of 4 stars; one submission).

Allele frequency attached by ClinVar (database versions not stated): gnomAD exomes below 0.00001.

Submission:

Labcorp Genetics (formerly Invitae), Labcorp
Classification: Pathogenic. Last evaluated: 2023-07-10. Review status: criteria provided, single submitter. Criteria: Invitae Variant Classification Sherloc (09022015). Collection method: clinical testing. Allele origin: germline.
Comment: For these reasons, this variant has been classified as Pathogenic. This sequence change creates a premature translational stop signal (p.Met426Asnfs*50) in the ANO10 gene. It is expected to result in an absent or disrupted protein product. Loss-of-function variants in ANO10 are known to be pathogenic (PMID: 25089919). This variant is not present in population databases (gnomAD no frequency). This variant has not been reported in the literature in individuals affected with ANO10-related conditions.

Literature cited by the submitters: PubMed 25089919.

NM_018075.5(ANO10):c.1276dup (p.Met426fs)

Gene: ANO10 (anoctamin 10; minus strand). Cytogenetic location: 3p22.1.
Variant type: Duplication.
Coding change: c.1276dup on transcript NM_018075.5 (MANE Select); coding-DNA position 1276, one base duplicated (A; older notation c.1276dupA).
Protein change: p.Met426fs; shifts the reading frame from methionine 426.
Molecular consequence: frameshift variant.
Genome position (GRCh38, 1-based): chr3:43,565,670, T duplicated on the plus strand (A on the coding strand, the reverse complement: ANO10 is on the minus strand). VCF-style (leftmost placement, unchanged base first): chr3-43565669-A-AT. GRCh37 (hg19) VCF-style: chr3-43607161-A-AT.
Other names: c.1276dup, p.Met426fs (NM_001204831.3, NM_001346463.2, NM_001346464.2 and 3 more transcripts); c.1078dup, p.Met360fs (NM_001204832.3, NM_001346466.2, NM_001346469.2); c.943dup, p.Met315fs (NM_001204833.3); c.706dup, p.Met236fs (NM_001204834.3); short protein forms M236fs, M360fs, M426fs, M315fs.
Identifiers: ClinVar variation 2999303 (VCV002999303.3), dbSNP rs2529183675, ClinGen allele CA2665305183.
Genomic context (GRCh38, chr3:43,565,669, plus strand): 5'-TCTATGACCTAAAAAATTGGTATTTTTCTGTTATTTTTACTTACCTGGCGCAAAAGCTTC[A>AT]TATCTTTCAAGACAAAGGCAATATAGAAGAGTGAGGCAAAGCAATTGAGGAAGTTGAACT-3'